The following is an entry in ClinVar:

NM_007186.6(CEP250):c.5858G>A (p.Arg1953Gln)

Gene: CEP250 (centrosomal protein 250; plus strand). Cytogenetic location: 20q11.22.
Variant type: single nucleotide variant.
Coding change: c.5858G>A on transcript NM_007186.6 (MANE Select); coding-DNA position 5858, G replaced by A.
Protein change: p.Arg1953Gln; replaces arginine 1953 with glutamine.
Molecular consequence: missense variant.
Genome position (GRCh38, 1-based): chr20:35,504,227, G>A. VCF-style: chr20-35504227-G-A. GRCh37 (hg19) VCF-style: chr20-34092055-G-A.
Other names: c.3962G>A, p.Arg1321Gln (NM_001318219.1); short protein forms R1321Q, R1953Q.
Identifiers: ClinVar variation 848305 (VCV000848305.9), dbSNP rs368886450, ClinGen allele CA9833948.
Genomic context (GRCh38, chr20:35,504,227, plus strand): 5'-CAGTGCTCAAGGAACGGGACCAGGAGCTGGAAGCTCTGCGGGCAGAAAGTCAGTCCTCCC[G>A]GCATCAGGAGGAGGCTGCCCGGGCCCGGGCTGAGGCTCTGCAGGAGGCCCTTGGCAAGGC-3'
Protein context (NP_009117.2, residues 1943-1963): EALRAESQSS[Arg1953Gln]HQEEAARARA

ClinVar aggregate classification (germline): Conflicting classifications of pathogenicity. Review status: criteria provided, conflicting classifications (1 of 4 stars). 3 submissions from 3 submitters: Uncertain significance (2); Likely benign (1). Last evaluated 2026-05-11.

Conditions:
CEP250-related disorder. Also called: CEP250-related condition.

Allele frequency attached by ClinVar (database versions not stated): gnomAD exomes 0.00005; ESP Exome Variant Server 0.00008; ExAC 0.00009; gnomAD 0.00021; TOPMed 0.00026.
gnomAD v4.1: 104 of 1,607,992 alleles (0.0065%); highest among the groups gnomAD compares: African/African-American, 0.048%; no homozygotes.

Submissions (3):

PreventionGenetics, part of Exact Sciences
Classification: Uncertain significance for CEP250-related condition. Last evaluated: 2026-05-11. Review status: criteria provided, single submitter. Criteria: ACMG Guidelines, 2015. Collection method: clinical testing. Allele origin: germline.
Comment: The CEP250 c.5858G>A variant is predicted to result in the amino acid substitution p.Arg1953Gln. To our knowledge, this variant has not been reported in the literature. This variant is reported in 0.061% of alleles in individuals of African descent in gnomAD. Although we suspect that this variant may be benign, at this time, the clinical significance of this variant is uncertain due to the absence of conclusive functional and genetic evidence.

Blueprint Genetics
Classification: Likely benign. Last evaluated: 2024-10-01. Review status: criteria provided, single submitter. Criteria: ACMG Guidelines, 2015. Collection method: clinical testing. Allele origin: germline.

Labcorp Genetics (formerly Invitae), Labcorp
Classification: Uncertain significance. Last evaluated: 2023-11-19. Review status: criteria provided, single submitter. Criteria: Invitae Variant Classification Sherloc (09022015). Collection method: clinical testing. Allele origin: germline.
Comment: This sequence change replaces arginine, which is basic and polar, with glutamine, which is neutral and polar, at codon 1953 of the CEP250 protein (p.Arg1953Gln). This variant is present in population databases (rs368886450, gnomAD 0.07%). This variant has not been reported in the literature in individuals affected with CEP250-related conditions. ClinVar contains an entry for this variant (Variation ID: 848305). Algorithms developed to predict the effect of missense changes on protein structure and function output the following: SIFT: "Not Available"; PolyPhen-2: "Benign"; Align-GVGD: "Not Available". The glutamine amino acid residue is found in multiple mammalian species, which suggests that this missense change does not adversely affect protein function. In summary, the available evidence is currently insufficient to determine the role of this variant in disease. Therefore, it has been classified as a Variant of Uncertain Significance.